The following is an entry in ClinVar:

ClinVar aggregate classification (germline): Conflicting classifications of pathogenicity. Review status: criteria provided, conflicting classifications (1 of 4 stars). 2 submissions from 2 submitters: Uncertain significance (1); Benign (1). Last evaluated 2025-01-21.

Conditions:
Primary ciliary dyskinesia. Also called: Ciliary dyskinesia. Identifiers: Orphanet 244, MedGen C0008780, MONDO:0016575, HP:0012265.

Allele frequency attached by ClinVar (database versions not stated): gnomAD 0.00005; TOPMed 0.00006; ExAC 0.00007.

Submissions (2):

Labcorp Genetics (formerly Invitae), Labcorp
Classification: Benign for Primary ciliary dyskinesia. Last evaluated: 2025-01-21. Review status: criteria provided, single submitter. Criteria: Invitae Variant Classification Sherloc (09022015). Collection method: clinical testing. Allele origin: germline.

Ambry Genetics
Classification: Uncertain significance for Primary ciliary dyskinesia. Last evaluated: 2024-11-10. Review status: criteria provided, single submitter. Criteria: Ambry Variant Classification Scheme 2023. Collection method: clinical testing. Allele origin: germline.
Comment: The p.Q3443R variant (also known as c.10328A>G), located in coding exon 63 of the DNAH11 gene, results from an A to G substitution at nucleotide position 10328. The glutamine at codon 3443 is replaced by arginine, an amino acid with highly similar properties. This amino acid position is conserved. In addition, this alteration is predicted to be tolerated by in silico analysis. Based on the available evidence, the clinical significance of this variant remains unclear.

NM_001277115.2(DNAH11):c.10328A>G (p.Gln3443Arg)

Gene: DNAH11 (dynein axonemal heavy chain 11; plus strand). Cytogenetic location: 7p15.3.
Variant type: single nucleotide variant.
Coding change: c.10328A>G on transcript NM_001277115.2 (MANE Select); coding-DNA position 10328, A replaced by G.
Protein change: p.Gln3443Arg; replaces glutamine 3443 with arginine.
Molecular consequence: missense variant.
Genome position (GRCh38, 1-based): chr7:21,808,045, A>G. VCF-style: chr7-21808045-A-G. GRCh37 (hg19) VCF-style: chr7-21847663-A-G.
Other names: c.10349A>G, p.Gln3450Arg (NM_003777.3); c.10328A>G (NM_001277115.1); short protein forms Q3450R, Q3443R.
Identifiers: ClinVar variation 2075078 (VCV002075078.5), dbSNP rs769152755, ClinGen allele CA4182319.
Genomic context (GRCh38, chr7:21,808,045, plus strand): 5'-CCTTCACAAGGCAGTATCGCCAGGAGCTGGTGCACTGCAAGTGGGTTCCCTTTCTTCAAC[A>G]GAAGGTAAGTTCAGTTCCTTACCTTGTCAGCAGGTAGAAAGATCACATTGAAATTTCAGT-3'
Protein context (NP_001264044.1, residues 3433-3453): VHCKWVPFLQ[Gln3443Arg]KVSIPLTEGL